The following is an entry in ClinVar:

NM_021067.5(GINS1):c.256C>T (p.Arg86Trp)

Gene: GINS1 (GINS complex subunit 1; plus strand). Cytogenetic location: 20p11.21.
Variant type: single nucleotide variant.
Coding change: c.256C>T on transcript NM_021067.5 (MANE Select); coding-DNA position 256, C replaced by T.
Protein change: p.Arg86Trp; replaces arginine 86 with tryptophan.
Molecular consequence: missense variant. On other transcripts: non-coding transcript variant (1).
Genome position (GRCh38, 1-based): chr20:25,418,121, C>T. VCF-style: chr20-25418121-C-T. GRCh37 (hg19) VCF-style: chr20-25398757-C-T.
Other names: short protein forms R86W.
Identifiers: ClinVar variation 976466 (VCV000976466.4), dbSNP rs967614894, ClinGen allele CA313708191.
Genomic context (GRCh38, chr20:25,418,121, plus strand): 5'-CCCCGTTTATTCTTATGCCACCCAATACCTTCTTGATGTCCTAGGTATGACCGCTTGCTT[C>T]GGATCAGAGCACTCAGATGGGAATATGGTAGCGTCTTGCCAAATGCATTACGATTTCACA-3'
Protein context (NP_066545.3, residues 76-96): TVAYLYDRLL[Arg86Trp]IRALRWEYGS

ClinVar aggregate classification (germline): Uncertain significance. Review status: criteria provided, multiple submitters, no conflicts (2 of 4 stars). 3 submissions from 3 submitters: Uncertain significance (2). 1 of the submissions does not count toward it. Last evaluated 2024-08-14.

Conditions:
Combined immunodeficiency due to GINS1 deficiency. Also called: IMMUNODEFICIENCY 55. Identifiers: Orphanet 505227, MedGen C5568132, MONDO:0044725, OMIM 617827.

Allele frequency attached by ClinVar (database versions not stated): gnomAD exomes below 0.00001 and 0.00001; gnomAD 0.00001; TOPMed 0.00003.

Submissions (3):

Labcorp Genetics (formerly Invitae), Labcorp
Classification: Uncertain significance. Last evaluated: 2024-08-14. Review status: criteria provided, single submitter. Criteria: Invitae Variant Classification Sherloc (09022015). Collection method: clinical testing. Allele origin: germline.
Comment: This sequence change replaces arginine, which is basic and polar, with tryptophan, which is neutral and slightly polar, at codon 86 of the GINS1 protein (p.Arg86Trp). This variant is present in population databases (no rsID available, gnomAD 0.0009%). This variant has not been reported in the literature in individuals affected with GINS1-related conditions. ClinVar contains an entry for this variant (Variation ID: 976466). An algorithm developed to predict the effect of missense changes on protein structure and function (PolyPhen-2) suggests that this variant is likely to be disruptive. Algorithms developed to predict the effect of sequence changes on RNA splicing suggest that this variant may disrupt the consensus splice site. In summary, the available evidence is currently insufficient to determine the role of this variant in disease. Therefore, it has been classified as a Variant of Uncertain Significance.

Blueprint Genetics
Classification: Uncertain significance. Last evaluated: 2020-04-30. Review status: criteria provided, single submitter. Criteria: ACMG Guidelines, 2015. Collection method: clinical testing. Allele origin: germline.

Clinical Genomics Laboratory, Stanford Medicine
Classification: Uncertain significance for Combined immunodeficiency due to GINS1 deficiency. Last evaluated: 2019-08-30. Review status: no assertion criteria provided. Collection method: clinical testing. Allele origin: germline. Inheritance: Autosomal recessive inheritance. Affected: yes. Not counted in ClinVar's aggregate classification.
Comment: The p.Arg86Trp variant in the GINS1 gene has not been previously reported in association with disease. This variant has been identified in 1/113,746 European chromosomes by the Genome Aggregation Database. Computational tools conflict regarding this variantâ€™s impact on protein function. These data were assessed using the ACMG/AMP variant interpretation guidelines. In summary, the significance of the p.Arg86Trp variant is uncertain. Additional information is needed to resolve the significance of this variant. [ACMG evidence codes used: PM2]